The following is an entry in ClinVar:

ClinVar aggregate classification (germline): Conflicting classifications of pathogenicity. Review status: criteria provided, conflicting classifications (1 of 4 stars). 4 submissions from 4 submitters: Uncertain significance (3); Likely benign (1). Last evaluated 2025-01-31.

Conditions:
Cardiovascular phenotype. Identifiers: MedGen CN230736.
Dilated cardiomyopathy 1KK (CMD1KK). Identifiers: Orphanet 154, Orphanet 75249, MedGen C3714995, MONDO:0014100, OMIM 615248.

Allele frequency attached by ClinVar (database versions not stated): ExAC 0.00001; gnomAD exomes 0.00002; TOPMed 0.00002; gnomAD 0.00004 and 0.00005; 1000 Genomes Project 30x 0.00016; 1000 Genomes Project 0.00020.

Submissions (4):

Ambry Genetics
Classification: Uncertain significance for Cardiovascular phenotype. Last evaluated: 2025-01-31. Review status: criteria provided, single submitter. Criteria: Ambry Variant Classification Scheme 2023. Collection method: clinical testing. Allele origin: germline.
Comment: The p.P1102L variant (also known as c.3305C>T), located in coding exon 16 of the MYPN gene, results from a C to T substitution at nucleotide position 3305. The proline at codon 1102 is replaced by leucine, an amino acid with similar properties. This amino acid position is highly conserved in available vertebrate species. In addition, this alteration is predicted to be deleterious by in silico analysis. Since supporting evidence is limited at this time, the clinical significance of this alteration remains unclear.

Labcorp Genetics (formerly Invitae), Labcorp
Classification: Uncertain significance for Dilated cardiomyopathy 1KK. Last evaluated: 2025-01-29. Review status: criteria provided, single submitter. Criteria: Invitae Variant Classification Sherloc (09022015). Collection method: clinical testing. Allele origin: germline.
Comment: This sequence change replaces proline, which is neutral and non-polar, with leucine, which is neutral and non-polar, at codon 1102 of the MYPN protein (p.Pro1102Leu). This variant is present in population databases (rs201693405, gnomAD 0.007%). This variant has not been reported in the literature in individuals affected with MYPN-related conditions. ClinVar contains an entry for this variant (Variation ID: 520383). An algorithm developed to predict the effect of missense changes on protein structure and function (PolyPhen-2) suggests that this variant is likely to be disruptive. In summary, the available evidence is currently insufficient to determine the role of this variant in disease. Therefore, it has been classified as a Variant of Uncertain Significance.

Blueprint Genetics
Classification: Likely benign. Last evaluated: 2022-02-09. Review status: criteria provided, single submitter. Criteria: ACMG Guidelines, 2015. Collection method: clinical testing. Allele origin: germline.

GeneDx
Classification: Uncertain significance. Last evaluated: 2019-10-21. Review status: criteria provided, single submitter. Criteria: GeneDx Variant Classification Process June 2021. Collection method: clinical testing. Allele origin: germline. Affected: yes.
Comment: Has not been previously published as pathogenic or benign to our knowledge; Reported in ClinVar as a variant of uncertain significance (ClinVar Variant ID# 520383; Landrum et al., 2016); Not observed at a significant frequency in large population cohorts (Lek et al., 2016); In silico analysis, which includes protein predictors and evolutionary conservation, supports a deleterious effect

NM_032578.4(MYPN):c.3305C>T (p.Pro1102Leu)

Gene: MYPN (myopalladin; plus strand). Cytogenetic location: 10q21.3.
Variant type: single nucleotide variant.
Coding change: c.3305C>T on transcript NM_032578.4 (MANE Select); coding-DNA position 3305, C replaced by T.
Protein change: p.Pro1102Leu; replaces proline 1102 with leucine.
Molecular consequence: missense variant. On other transcripts: non-coding transcript variant (2).
Genome position (GRCh38, 1-based): chr10:68,199,387, C>T. VCF-style: chr10-68199387-C-T. GRCh37 (hg19) VCF-style: chr10-69959144-C-T.
Other names: c.3305C>T, p.Pro1102Leu (NM_001256267.2); c.2423C>T, p.Pro808Leu (NM_001256268.2); short protein forms P1102L, P808L.
Identifiers: ClinVar variation 520383 (VCV000520383.13), dbSNP rs201693405, ClinGen allele CA5523018.